The following is an entry in ClinVar:

ClinVar aggregate classification (germline): Uncertain significance. Review status: criteria provided, multiple submitters, no conflicts (2 of 4 stars). 2 submissions from 2 submitters: Uncertain significance (2). Last evaluated 2025-10-18.

Conditions:
Hereditary cancer-predisposing syndrome. Also called: Neoplastic Syndromes, Hereditary; Hereditary neoplastic syndrome; Tumor predisposition; Hereditary Cancer Syndrome. Identifiers: Orphanet 140162, MedGen C0027672, MeSH D009386, MONDO:0015356.
Gorlin syndrome. Also called: Nevoid Basal Cell Carcinoma Syndrome; Basal cell nevus syndrome. Identifiers: Orphanet 377, MedGen C0004779, MONDO:0007187.

Allele frequency attached by ClinVar (database versions not stated): gnomAD exomes below 0.00001.
gnomAD v4.1: 1 of 1,614,106 alleles (0.000062%); highest among the groups gnomAD compares: Non-Finnish European, 0.000085%; no homozygotes.

Submissions (2):

Labcorp Genetics (formerly Invitae), Labcorp
Classification: Uncertain significance for Gorlin syndrome. Last evaluated: 2025-10-18. Review status: criteria provided, single submitter. Criteria: Invitae Variant Classification Sherloc (09022015). Collection method: clinical testing. Allele origin: germline.
Comment: This sequence change replaces phenylalanine, which is neutral and non-polar, with leucine, which is neutral and non-polar, at codon 976 of the PTCH1 protein (p.Phe976Leu). This variant is not present in population databases (gnomAD no frequency). This variant has not been reported in the literature in individuals affected with PTCH1-related conditions. ClinVar contains an entry for this variant (Variation ID: 663322). Invitae Evidence Modeling of protein sequence and biophysical properties (such as structural, functional, and spatial information, amino acid conservation, physicochemical variation, residue mobility, and thermodynamic stability) has been performed for this missense variant. However, the output from this modeling did not meet the statistical confidence thresholds required to predict the impact of this variant on PTCH1 protein function. In summary, the available evidence is currently insufficient to determine the role of this variant in disease. Therefore, it has been classified as a Variant of Uncertain Significance.

Ambry Genetics
Classification: Uncertain significance for Hereditary cancer-predisposing syndrome. Last evaluated: 2024-03-13. Review status: criteria provided, single submitter. Criteria: Ambry Variant Classification Scheme 2023. Collection method: clinical testing. Allele origin: germline.
Comment: The p.F976L variant (also known as c.2928C>G), located in coding exon 18 of the PTCH1 gene, results from a C to G substitution at nucleotide position 2928. The phenylalanine at codon 976 is replaced by leucine, an amino acid with highly similar properties. This amino acid position is highly conserved in available vertebrate species. In addition, this alteration is predicted to be deleterious by in silico analysis. Since supporting evidence is limited at this time, the clinical significance of this alteration remains unclear.

NM_000264.5(PTCH1):c.2928C>G (p.Phe976Leu)

Gene: PTCH1 (patched 1; minus strand). Cytogenetic location: 9q22.32.
Variant type: single nucleotide variant.
Coding change: c.2928C>G on transcript NM_000264.5 (MANE Select); coding-DNA position 2928, C replaced by G.
Protein change: p.Phe976Leu; replaces phenylalanine 976 with leucine.
Molecular consequence: missense variant. On other transcripts: non-coding transcript variant (1).
Genome position (GRCh38, 1-based): chr9:95,458,253, G>C on the plus strand (C>G on the coding strand, the complement: PTCH1 is on the minus strand). VCF-style: chr9-95458253-G-C. GRCh37 (hg19) VCF-style: chr9-98220535-G-C.
Other names: c.2730C>G, p.Phe910Leu (NM_001083602.3); c.2925C>G, p.Phe975Leu (NM_001083603.3); c.2475C>G, p.Phe825Leu (NM_001083604.3, NM_001083605.3, NM_001083606.3 and 1 more transcripts); c.2772C>G, p.Phe924Leu (NM_001354918.2); short protein forms F975L, F825L, F910L, F924L, F976L.
Identifiers: ClinVar variation 663322 (VCV000663322.9), dbSNP rs1588540820, ClinGen allele CA374112761.